The following is an entry in ClinVar:

ClinVar aggregate classification (germline): Uncertain significance (1 of 4 stars; one submission).

Submission:

Labcorp Genetics (formerly Invitae), Labcorp
Classification: Uncertain significance. Last evaluated: 2024-04-02. Review status: criteria provided, single submitter. Criteria: Invitae Variant Classification Sherloc (09022015). Collection method: clinical testing. Allele origin: germline.
Comment: This sequence change replaces serine, which is neutral and polar, with proline, which is neutral and non-polar, at codon 826 of the LZTR1 protein (p.Ser826Pro). This variant is not present in population databases (gnomAD no frequency). This variant has not been reported in the literature in individuals affected with LZTR1-related conditions. ClinVar contains an entry for this variant (Variation ID: 1925278). Advanced modeling of protein sequence and biophysical properties (such as structural, functional, and spatial information, amino acid conservation, physicochemical variation, residue mobility, and thermodynamic stability) performed at Invitae indicates that this missense variant is not expected to disrupt LZTR1 protein function with a negative predictive value of 80%. In summary, the available evidence is currently insufficient to determine the role of this variant in disease. Therefore, it has been classified as a Variant of Uncertain Significance.

NM_006767.4(LZTR1):c.2476T>C (p.Ser826Pro)

Gene: LZTR1 (leucine zipper like post translational regulator 1; plus strand). Cytogenetic location: 22q11.21.
Variant type: single nucleotide variant.
Coding change: c.2476T>C on transcript NM_006767.4 (MANE Select); coding-DNA position 2476, T replaced by C.
Protein change: p.Ser826Pro; replaces serine 826 with proline.
Molecular consequence: missense variant.
Genome position (GRCh38, 1-based): chr22:20,997,301, T>C. VCF-style: chr22-20997301-T-C. GRCh37 (hg19) VCF-style: chr22-21351590-T-C.
Other names: short protein forms S826P.
Identifiers: ClinVar variation 1925278 (VCV001925278.5), dbSNP rs2518626823, ClinGen allele CA410781784.